The following is an entry in ClinVar:

NM_182643.3(DLC1):c.3183C>G (p.Phe1061Leu)

Gene: DLC1 (DLC1 Rho GTPase activating protein; minus strand). Cytogenetic location: 8p22.
Variant type: single nucleotide variant.
Coding change: c.3183C>G on transcript NM_182643.3 (MANE Select); coding-DNA position 3183, C replaced by G.
Protein change: p.Phe1061Leu; replaces phenylalanine 1061 with leucine.
Molecular consequence: missense variant.
Genome position (GRCh38, 1-based): chr8:13,095,230, G>C on the plus strand (C>G on the coding strand, the complement: DLC1 is on the minus strand). VCF-style: chr8-13095230-G-C. GRCh37 (hg19) VCF-style: chr8-12952739-G-C.
Other names: c.1650C>G, p.Phe550Leu (NM_001164271.2, NM_001348082.2, NM_001348083.1 and 6 more transcripts); c.1974C>G, p.Phe658Leu (NM_001316668.2, NM_001413129.1); c.3183C>G, p.Phe1061Leu (NM_001348081.2, NM_001413124.1); c.1965C>G, p.Phe655Leu (NM_001413130.1); c.1623C>G, p.Phe541Leu (NM_001413131.1, NM_001413137.1); c.2109C>G, p.Phe703Leu (NM_001413132.1); c.1872C>G, p.Phe624Leu (NM_001413135.1, NM_001413136.1, NM_006094.5 and 1 more transcripts); c.2007C>G, p.Phe669Leu (NM_001413140.1); short protein forms F655L, F1061L, F658L, F669L, F624L, F703L, F541L, F550L.
Identifiers: ClinVar variation 4011953 (VCV004011953.2).
Genomic context (GRCh38, chr8:13,095,230, plus strand): 5'-CGTCAGTGGGACCCCAAACACACTCCGGTCCTTGTAGTCTGGAACCTTGATCCTCTTCAT[G>C]AACTTGGGCACGGCCCTGTTAAAGAACACAGAGATGGTGGTGTTGGCGGAGACATGCTCA-3'
Protein context (NP_872584.2, residues 1051-1071): KHGFSWAVPK[Phe1061Leu]MKRIKVPDYK

ClinVar aggregate classification (germline): Uncertain significance. Review status: criteria provided, multiple submitters, no conflicts (2 of 4 stars). 2 submissions from 2 submitters: Uncertain significance (2). Last evaluated 2025-07-14.

gnomAD v4.1: 2 of 1,614,254 alleles (0.00012%); highest among the groups gnomAD compares: South Asian, 0.0022%; no homozygotes.

Submissions (2):

Labcorp Genetics (formerly Invitae), Labcorp
Classification: Uncertain significance. Last evaluated: 2025-07-14. Review status: criteria provided, single submitter. Criteria: Invitae Variant Classification Sherloc (09022015). Collection method: clinical testing. Allele origin: germline.
Comment: This sequence change replaces phenylalanine, which is neutral and non-polar, with leucine, which is neutral and non-polar, at codon 1061 of the DLC1 protein (p.Phe1061Leu). This variant is not present in population databases (gnomAD no frequency). This variant has not been reported in the literature in individuals affected with DLC1-related conditions. An algorithm developed to predict the effect of missense changes on protein structure and function (PolyPhen-2) suggests that this variant is likely to be disruptive. In summary, the available evidence is currently insufficient to determine the role of this variant in disease. Therefore, it has been classified as a Variant of Uncertain Significance.

Ambry Genetics
Classification: Uncertain significance. Last evaluated: 2025-04-07. Review status: criteria provided, single submitter. Criteria: Ambry Variant Classification Scheme 2023. Collection method: clinical testing. Allele origin: germline.